The following is an entry in ClinVar:

ClinVar aggregate classification (germline): Uncertain significance (1 of 4 stars; one submission).

Conditions:
Luscan-Lumish syndrome. Identifiers: Orphanet 597738, MedGen C4085873, MONDO:0014791, OMIM 616831.

gnomAD v4.1: 8 of 1,613,906 alleles (0.0005%); highest among the groups gnomAD compares: Admixed American, 0.005%; no homozygotes.

Submission:

Labcorp Genetics (formerly Invitae), Labcorp
Classification: Uncertain significance for Luscan-Lumish syndrome. Last evaluated: 2025-09-14. Review status: criteria provided, single submitter. Criteria: Invitae Variant Classification Sherloc (09022015). Collection method: clinical testing. Allele origin: germline.
Comment: This sequence change replaces asparagine, which is neutral and polar, with lysine, which is basic and polar, at codon 2071 of the SETD2 protein (p.Asn2071Lys). This variant is present in population databases (rs781655817, gnomAD 0.009%). This variant has not been reported in the literature in individuals affected with SETD2-related conditions. An algorithm developed to predict the effect of missense changes on protein structure and function (PolyPhen-2) suggests that this variant is likely to be tolerated. In summary, the available evidence is currently insufficient to determine the role of this variant in disease. Therefore, it has been classified as a Variant of Uncertain Significance.

NM_014159.7(SETD2):c.6213T>A (p.Asn2071Lys)

Gene: SETD2 (SET domain containing 2, histone lysine methyltransferase; minus strand). Cytogenetic location: 3p21.31.
Variant type: single nucleotide variant.
Coding change: c.6213T>A on transcript NM_014159.7 (MANE Select); coding-DNA position 6213, T replaced by A.
Protein change: p.Asn2071Lys; replaces asparagine 2071 with lysine.
Molecular consequence: missense variant. On other transcripts: non-coding transcript variant (1).
Genome position (GRCh38, 1-based): chr3:47,062,243, A>T on the plus strand (T>A on the coding strand, the complement: SETD2 is on the minus strand). VCF-style: chr3-47062243-A-T. GRCh37 (hg19) VCF-style: chr3-47103733-A-T.
Other names: c.6081T>A, p.Asn2027Lys (NM_001349370.3); short protein forms N2071K, N2027K.
Identifiers: ClinVar variation 4777036 (VCV004777036.1).